The following is an entry in ClinVar:

NM_000701.8(ATP1A1):c.102A>C (p.Glu34Asp)

Gene: ATP1A1 (ATPase Na+/K+ transporting subunit alpha 1; plus strand). Cytogenetic location: 1p13.1.
Variant type: single nucleotide variant.
Coding change: c.102A>C on transcript NM_000701.8 (MANE Select); coding-DNA position 102, A replaced by C.
Protein change: p.Glu34Asp; replaces glutamic acid 34 with aspartic acid.
Molecular consequence: missense variant.
Genome position (GRCh38, 1-based): chr1:116,384,103, A>C. VCF-style: chr1-116384103-A-C. GRCh37 (hg19) VCF-style: chr1-116926725-A-C.
Other names: c.102A>C, p.Glu34Asp (NM_001160233.2); c.9A>C, p.Glu3Asp (NM_001160234.2); short protein forms E3D, E34D.
Identifiers: ClinVar variation 3707659 (VCV003707659.2).

ClinVar aggregate classification (germline): Uncertain significance (1 of 4 stars; one submission).

gnomAD v4.1: 3 of 1,613,922 alleles (0.00019%); highest among the groups gnomAD compares: Non-Finnish European, 0.00025%; no homozygotes.

Submission:

Labcorp Genetics (formerly Invitae), Labcorp
Classification: Uncertain significance. Last evaluated: 2024-09-04. Review status: criteria provided, single submitter. Criteria: Invitae Variant Classification Sherloc (09022015). Collection method: clinical testing. Allele origin: germline.
Comment: This sequence change replaces glutamic acid, which is acidic and polar, with aspartic acid, which is acidic and polar, at codon 34 of the ATP1A1 protein (p.Glu34Asp). This variant is not present in population databases (gnomAD no frequency). This variant has not been reported in the literature in individuals affected with ATP1A1-related conditions. Invitae Evidence Modeling of protein sequence and biophysical properties (such as structural, functional, and spatial information, amino acid conservation, physicochemical variation, residue mobility, and thermodynamic stability) indicates that this missense variant is not expected to disrupt ATP1A1 protein function with a negative predictive value of 95%. In summary, the available evidence is currently insufficient to determine the role of this variant in disease. Therefore, it has been classified as a Variant of Uncertain Significance.